The following is an entry in ClinVar:

NM_033305.3(VPS13A):c.3706C>T (p.Leu1236=)

Gene: VPS13A (vacuolar protein sorting 13 homolog A; plus strand). Cytogenetic location: 9q21.2.
Variant type: single nucleotide variant.
Coding change: c.3706C>T on transcript NM_033305.3 (MANE Select); coding-DNA position 3706, C replaced by T.
Protein change: p.Leu1236=; no amino-acid change (leucine 1236 retained).
Molecular consequence: synonymous variant.
Genome position (GRCh38, 1-based): chr9:77,295,740, C>T. VCF-style: chr9-77295740-C-T. GRCh37 (hg19) VCF-style: chr9-79910656-C-T.
Other names: c.3589C>T, p.Leu1197= (NM_001018037.2); c.3706C>T, p.Leu1236= (NM_001018038.3, NM_015186.4).
Identifiers: ClinVar variation 367377 (VCV000367377.24), dbSNP rs189138644, ClinGen allele CA5092317.
Genomic context (GRCh38, chr9:77,295,740, plus strand): 5'-CCAGTTGTGGTCATCCCGCAGTCTCCAGTTTCTGAAAATGTTTTTGTTGCTGATTTTGGA[C>T]TAATTACAATGACAAATACCTTTCATATGATAACAGAGAGCCAGAGCTCTCCCCCACCTG-3'
Protein context (NP_150648.2, residues 1226-1246): SENVFVADFG[Leu1236=]ITMTNTFHMI

ClinVar aggregate classification (germline): Conflicting classifications of pathogenicity. Review status: criteria provided, conflicting classifications (1 of 4 stars). 6 submissions from 6 submitters: Uncertain significance (1); Likely benign (3). 2 of the submissions do not count toward it. Last evaluated 2025-12-01.

Conditions:
VPS13A-related neurodegenerative disease. Also called: VPS13A Disease; Choreaacanthocytosis; Choreoacanthocytosis; Chorea-acanthocytosis; ACANTHOCYTOSIS WITH NEUROLOGIC DISORDER; LEVINE-CRITCHLEY SYNDROME. Identifiers: Orphanet 2388, MedGen C0393576, MONDO:0008695, OMIM 200150.
VPS13A-related disorder. Also called: VPS13A-related condition.

Allele frequency attached by ClinVar (database versions not stated): gnomAD 0.00006 and 0.00007; TOPMed 0.00009; 1000 Genomes Project 0.00040; 1000 Genomes Project 30x 0.00047.
gnomAD v4.1: 108 of 1,613,992 alleles (0.0067%); highest among the groups gnomAD compares: East Asian, 0.045%; 3 homozygotes.

Submissions (6):

CeGaT Center for Human Genetics Tuebingen
Classification: Likely benign. Last evaluated: 2025-12-01. Review status: criteria provided, single submitter. Criteria: CeGaT Center For Human Genetics Tuebingen Variant Classification Criteria Version 2. Collection method: clinical testing. Allele origin: germline. Affected: yes. Observed: 1 variant allele.
Comment: VPS13A: BP4

Labcorp Genetics (formerly Invitae), Labcorp
Classification: Likely benign. Last evaluated: 2025-08-17. Review status: criteria provided, single submitter. Criteria: Invitae Variant Classification Sherloc (09022015). Collection method: clinical testing. Allele origin: germline.

Blueprint Genetics
Classification: Likely benign. Last evaluated: 2024-11-25. Review status: criteria provided, single submitter. Criteria: ACMG Guidelines, 2015. Collection method: clinical testing. Allele origin: germline.

Illumina Laboratory Services, Illumina
Classification: Uncertain significance for VPS13A-related neurodegenerative disease. Last evaluated: 2018-01-13. Review status: criteria provided, single submitter. Criteria: ICSL Variant Classification Criteria 13 December 2019. Collection method: clinical testing. Allele origin: germline.

PreventionGenetics, part of Exact Sciences
Classification: Likely benign for VPS13A-related condition. Last evaluated: 2020-05-15. Review status: no assertion criteria provided. Collection method: clinical testing. Allele origin: germline. Not counted in ClinVar's aggregate classification.
Comment: This variant is classified as likely benign based on ACMG/AMP sequence variant interpretation guidelines (Richards et al. 2015 PMID: 25741868, with internal and published modifications).

Natera, Inc.
Classification: Uncertain significance for Choreaacanthocytosis. Last evaluated: 2020-01-24. Review status: no assertion criteria provided. Collection method: clinical testing. Allele origin: germline. Not counted in ClinVar's aggregate classification.